The following is an entry in ClinVar:

ClinVar aggregate classification (germline): Uncertain significance (1 of 4 stars; one submission).

Conditions:
PLXNA2-related disorder. Also called: PLXNA2-related condition.

gnomAD v4.1: 2 of 1,614,102 alleles (0.00012%); highest among the groups gnomAD compares: African/African-American, 0.0013%; no homozygotes.

Submission:

PreventionGenetics, part of Exact Sciences
Classification: Uncertain significance for PLXNA2-related condition. Last evaluated: 2026-09-16. Review status: criteria provided, single submitter. Criteria: ACMG Guidelines, 2015. Collection method: clinical testing. Allele origin: germline.
Comment: The PLXNA2 c.365C>T variant is predicted to result in the amino acid substitution p.Ser122Phe. To our knowledge, this variant has not been reported in the literature. This variant is reported in 0.00088% of alleles in individuals of European (Non-Finnish) descent in gnomAD. At this time, the clinical significance of this variant is uncertain due to the absence of conclusive functional and genetic evidence.

NM_025179.4(PLXNA2):c.365C>T (p.Ser122Phe)

Gene: PLXNA2 (plexin A2; minus strand). Cytogenetic location: 1q32.2.
Variant type: single nucleotide variant.
Coding change: c.365C>T on transcript NM_025179.4 (MANE Select); coding-DNA position 365, C replaced by T.
Protein change: p.Ser122Phe; replaces serine 122 with phenylalanine.
Molecular consequence: missense variant.
Genome position (GRCh38, 1-based): chr1:208,217,558, G>A on the plus strand (C>T on the coding strand, the complement: PLXNA2 is on the minus strand). VCF-style: chr1-208217558-G-A. GRCh37 (hg19) VCF-style: chr1-208390903-G-A.
Other names: short protein forms S122F.
Identifiers: ClinVar variation 4992891 (VCV004992891.1).